The following is an entry in ClinVar:

NM_001367624.2(ZNF469):c.1354C>G (p.Pro452Ala)

Gene: ZNF469 (zinc finger protein 469; plus strand). Cytogenetic location: 16q24.2.
Variant type: single nucleotide variant.
Coding change: c.1354C>G on transcript NM_001367624.2 (MANE Select); coding-DNA position 1354, C replaced by G.
Protein change: p.Pro452Ala; replaces proline 452 with alanine.
Molecular consequence: missense variant.
Genome position (GRCh38, 1-based): chr16:88,428,824, C>G. VCF-style: chr16-88428824-C-G. GRCh37 (hg19) VCF-style: chr16-88495232-C-G.
Other names: short protein forms P452A.
Identifiers: ClinVar variation 1417338 (VCV001417338.4), dbSNP rs1324983268, ClinGen allele CA397066273.
Genomic context (GRCh38, chr16:88,428,824, plus strand): 5'-CCCCCACCCGCCAGGCTGCCCCAGCTGTGGGACCCCACAGCAGCCCCTTACCCCACACCT[C>G]CTGGGGGCCCCCTGGCTGCCACCAGGAGTATGTTCTTTAACGGCCAGCCCAGCCCAGGCC-3'
Protein context (NP_001354553.1, residues 442-462): DPTAAPYPTP[Pro452Ala]GGPLAATRSM

ClinVar aggregate classification (germline): Uncertain significance (1 of 4 stars; one submission).

gnomAD v4.1: 2 of 1,547,854 alleles (0.00013%); highest among the groups gnomAD compares: Admixed American, 0.0039%; no homozygotes.

Submission:

Labcorp Genetics (formerly Invitae), Labcorp
Classification: Uncertain significance. Last evaluated: 2021-09-27. Review status: criteria provided, single submitter. Criteria: Invitae Variant Classification Sherloc (09022015). Collection method: clinical testing. Allele origin: germline.
Comment: In summary, the available evidence is currently insufficient to determine the role of this variant in disease. Therefore, it has been classified as a Variant of Uncertain Significance. Algorithms developed to predict the effect of missense changes on protein structure and function output the following: SIFT: "Tolerated"; PolyPhen-2: "Benign"; Align-GVGD: "Class C0". The alanine amino acid residue is found in multiple mammalian species, which suggests that this missense change does not adversely affect protein function. This variant has not been reported in the literature in individuals affected with ZNF469-related conditions. The frequency data for this variant in the population databases is considered unreliable, as metrics indicate insufficient coverage at this position in the ExAC database. This sequence change replaces proline with alanine at codon 452 of the ZNF469 protein (p.Pro452Ala). The proline residue is weakly conserved and there is a small physicochemical difference between proline and alanine.